The following is an entry in ClinVar:

NM_007294.4(BRCA1):c.2112_2131dup (p.Lys711fs)

Gene: BRCA1 (BRCA1 DNA repair associated; minus strand). Cytogenetic location: 17q21.31.
Variant type: Duplication.
Coding change: c.2112_2131dup on transcript NM_007294.4 (MANE Select); coding-DNA positions 2112 to 2131, 20 bases duplicated (TGCACCTGGTTCTTTTACTA).
Protein change: p.Lys711fs; shifts the reading frame from lysine 711.
Molecular consequence: frameshift variant. On other transcripts: intron variant (137).
Genome position (GRCh38, 1-based): chr17:43,093,400-43,093,419, TAGTAAAAGAACCAGGTGCA duplicated on the plus strand (TGCACCTGGTTCTTTTACTA on the coding strand, the reverse complement: BRCA1 is on the minus strand); duplicating any 20 consecutive bases within chr17:43,093,400-43,093,420 gives the same sequence; the c. name uses the placement nearest the transcript's 3' end. VCF-style (leftmost placement, unchanged base first): chr17-43093399-T-TTAGTAAAAGAACCAGGTGCA. GRCh37 (hg19) VCF-style: chr17-41245416-T-TTAGTAAAAGAACCAGGTGCA.
Other names: 2231dup20; c.2112_2131dup, p.Lys711fs (NM_007294.3, NM_001407639.1, NM_001407640.1 and 31 more transcripts); c.2109_2128dup, p.Lys710fs (NM_001407644.1, NM_001407645.1, NM_001407860.1 and 22 more transcripts); c.2103_2122dup, p.Lys708fs (NM_001407646.1, NM_001407647.1); c.1989_2008dup, p.Lys670fs (NM_001407648.1, NM_001407664.1, NM_001407665.1 and 19 more transcripts); c.1986_2005dup, p.Lys669fs (NM_001407649.1, NM_001407670.1, NM_001407671.1 and 11 more transcripts); c.2034_2053dup, p.Lys685fs (NM_001407653.1, NM_001407654.1, NM_001407655.1 and 4 more transcripts); c.2031_2050dup, p.Lys684fs (NM_001407659.1, NM_001407660.1, NM_001407661.1 and 1 more transcripts); and 42 more; short protein forms K711fs, K664fs, K584fs, K415fs, K599fs, K670fs, K600fs, K622fs.
Identifiers: ClinVar variation 266219 (VCV000266219.6), dbSNP rs886039998, ClinGen allele CA10589889.

ClinVar aggregate classification (germline): Pathogenic. Review status: reviewed by expert panel (3 of 4 stars). 2 submissions from 2 submitters: Pathogenic (1). 1 of the submissions does not count toward it. Last evaluated 2016-10-18.

Conditions:
Breast-ovarian cancer, familial, susceptibility to, 1 (BROVCA1). Also called: BRCA1 Hereditary Breast and Ovarian Cancer; OVARIAN CANCER, SUSCEPTIBILITY TO. Identifiers: Orphanet 145, MedGen C2676676, MONDO:0011450, OMIM 604370. Disease mechanism: loss of function.

Submissions (2):

Evidence-based Network for the Interpretation of Germline Mutant Alleles (ENIGMA)
Classification: Pathogenic for Breast-ovarian cancer, familial, susceptibility to, 1. Last evaluated: 2016-10-18. Review status: reviewed by expert panel. Criteria: ENIGMA BRCA1/2 Classification Criteria (2015). Collection method: curation. Allele origin: germline.
Comment: Variant allele predicted to encode a truncated non-functional protein.

Consortium of Investigators of Modifiers of BRCA1/2 (CIMBA), c/o University of Cambridge
Classification: Pathogenic for Breast-ovarian cancer, familial, susceptibility to, 1. Last evaluated: 2015-10-02. Review status: criteria provided, single submitter. Criteria: CIMBA Mutation Classification guidelines May 2016. Collection method: clinical testing. Allele origin: germline. Not counted in ClinVar's aggregate classification.